The following is an entry in ClinVar:

ClinVar aggregate classification (germline): Benign/Likely benign. Review status: criteria provided, multiple submitters, no conflicts (2 of 4 stars). 5 submissions from 5 submitters: Benign (4); Likely benign (1). Last evaluated 2026-07-01.

Conditions:
Neonatal encephalomyopathy-cardiomyopathy-respiratory distress syndrome. Also called: Coenzyme Q10 deficiency, primary, 7. Identifiers: Orphanet 457185, MedGen C5568562, MONDO:0014562, OMIM 616276.

Allele frequency attached by ClinVar (database versions not stated): gnomAD exomes 0.00629; ExAC 0.00747; 1000 Genomes Project 30x 0.00422; 1000 Genomes Project 0.00459; gnomAD 0.00541; TOPMed 0.00603; ESP Exome Variant Server 0.00615.
gnomAD v4.1: 13,084 of 1,613,374 alleles (0.81%); highest among the groups gnomAD compares: South Asian, 1.1%; 91 homozygotes.

Submissions (5):

CeGaT Center for Human Genetics Tuebingen
Classification: Benign. Last evaluated: 2026-07-01. Review status: criteria provided, single submitter. Criteria: CeGaT Center For Human Genetics Tuebingen Variant Classification Criteria Version 2. Collection method: clinical testing. Allele origin: germline. Affected: yes. Observed: 28 variant alleles.
Comment: COQ4: BS1, BS2

Labcorp Genetics (formerly Invitae), Labcorp
Classification: Benign for Neonatal encephalomyopathy-cardiomyopathy-respiratory distress syndrome. Last evaluated: 2026-02-02. Review status: criteria provided, single submitter. Criteria: Invitae Variant Classification Sherloc (09022015). Collection method: clinical testing. Allele origin: germline.

Mayo Clinic Laboratories, Mayo Clinic
Classification: Benign. Last evaluated: 2022-11-17. Review status: criteria provided, single submitter. Criteria: ACMG Guidelines, 2015. Collection method: clinical testing. Allele origin: germline. Observed: 45 variant alleles.
Comment: BS1, BS2

GeneDx
Classification: Benign. Last evaluated: 2016-04-05. Review status: criteria provided, single submitter. Criteria: GeneDx Variant Classification (06012015). Collection method: clinical testing. Allele origin: germline. Affected: yes.
Comment: This variant is considered likely benign or benign based on one or more of the following criteria: it is a conservative change, it occurs at a poorly conserved position in the protein, it is predicted to be benign by multiple in silico algorithms, and/or has population frequency not consistent with disease.

Breakthrough Genomics
Classification: Likely benign. Review status: criteria provided, single submitter. Criteria: ACMG Guidelines, 2015. Collection method: not provided. Allele origin: germline. Inheritance: Autosomal recessive inheritance. Affected: yes.

Literature cited by the submitters: PubMed 23533218 (cited by Mayo Clinic Laboratories, Mayo Clinic); PubMed 23774949 (cited by Mayo Clinic Laboratories, Mayo Clinic); PubMed 27374853 (cited by Mayo Clinic Laboratories, Mayo Clinic); PubMed 28465093 (cited by Mayo Clinic Laboratories, Mayo Clinic); PubMed 28472853 (cited by Mayo Clinic Laboratories, Mayo Clinic); PubMed 29980630 (cited by Mayo Clinic Laboratories, Mayo Clinic); PubMed 34299348 (cited by Mayo Clinic Laboratories, Mayo Clinic); PubMed 34638552 (cited by Mayo Clinic Laboratories, Mayo Clinic); PubMed 35154243 (cited by Mayo Clinic Laboratories, Mayo Clinic).

NM_016035.5(COQ4):c.483G>C (p.Glu161Asp)

Gene: COQ4 (coenzyme Q4; plus strand). Cytogenetic location: 9q34.11.
Variant type: single nucleotide variant.
Coding change: c.483G>C on transcript NM_016035.5 (MANE Select); coding-DNA position 483, G replaced by C.
Protein change: p.Glu161Asp; replaces glutamic acid 161 with aspartic acid.
Molecular consequence: missense variant. On other transcripts: intron variant (1).
Genome position (GRCh38, 1-based): chr9:128,332,233, G>C. VCF-style: chr9-128332233-G-C. GRCh37 (hg19) VCF-style: chr9-131094512-G-C.
Other names: p.Glu161Asp; c.3-1241G>C (NM_001305942.2); short protein forms E161D.
Identifiers: ClinVar variation 380493 (VCV000380493.53), dbSNP rs141228574, ClinGen allele CA5260591.